The following is an entry in ClinVar:

NM_000553.6(WRN):c.1198C>T (p.His400Tyr)

Gene: WRN (WRN RecQ like helicase; plus strand). Cytogenetic location: 8p12.
Variant type: single nucleotide variant.
Coding change: c.1198C>T on transcript NM_000553.6 (MANE Select); coding-DNA position 1198, C replaced by T.
Protein change: p.His400Tyr; replaces histidine 400 with tyrosine.
Molecular consequence: missense variant.
Genome position (GRCh38, 1-based): chr8:31,081,225, C>T. VCF-style: chr8-31081225-C-T. GRCh37 (hg19) VCF-style: chr8-30938741-C-T.
Other names: short protein forms H400Y.
Identifiers: ClinVar variation 941534 (VCV000941534.5), dbSNP rs1813298603, ClinGen allele CA370921212.

ClinVar aggregate classification (germline): Uncertain significance (1 of 4 stars; one submission).

Conditions:
Werner syndrome (WRN). Identifiers: Orphanet 902, MedGen C0043119, MONDO:0010196, OMIM 277700.

Allele frequency attached by ClinVar (database versions not stated): gnomAD exomes below 0.00001.

Submission:

Labcorp Genetics (formerly Invitae), Labcorp
Classification: Uncertain significance for Werner syndrome. Last evaluated: 2019-08-26. Review status: criteria provided, single submitter. Criteria: Invitae Variant Classification Sherloc (09022015). Collection method: clinical testing. Allele origin: germline.
Comment: This variant has not been reported in the literature in individuals with WRN-related conditions. In summary, the available evidence is currently insufficient to determine the role of this variant in disease. Therefore, it has been classified as a Variant of Uncertain Significance. Algorithms developed to predict the effect of missense changes on protein structure and function output the following: SIFT: "Tolerated"; PolyPhen-2: "Benign"; Align-GVGD: "Class C0". The tyrosine amino acid residue is found in multiple mammalian species, suggesting that this missense change does not adversely affect protein function. These predictions have not been confirmed by published functional studies and their clinical significance is uncertain. This variant is not present in population databases (ExAC no frequency). This sequence change replaces histidine with tyrosine at codon 400 of the WRN protein (p.His400Tyr). The histidine residue is weakly conserved and there is a moderate physicochemical difference between histidine and tyrosine.